The following is an entry in ClinVar:

NM_018699.4(PRDM5):c.177+2T>G

Gene: PRDM5 (PR/SET domain 5; minus strand). Cytogenetic location: 4q27.
Variant type: single nucleotide variant.
Coding change: c.177+2T>G on transcript NM_018699.4 (MANE Select); the canonical splice donor site of the intron after coding-DNA position 177, T replaced by G.
Molecular consequence: splice donor variant.
Genome position (GRCh38, 1-based): chr4:120,907,472, A>C on the plus strand (T>G on the coding strand, the complement: PRDM5 is on the minus strand). VCF-style: chr4-120907472-A-C. GRCh37 (hg19) VCF-style: chr4-121828627-A-C.
Other names: c.177+2T>G (NM_001300824.2, NM_001379106.1, NM_001300823.2 and 1 more transcripts).
Identifiers: ClinVar variation 2750827 (VCV002750827.3), dbSNP rs2479621337, ClinGen allele CA358209509.

ClinVar aggregate classification (germline): Likely pathogenic (1 of 4 stars; one submission).

Submission:

Labcorp Genetics (formerly Invitae), Labcorp
Classification: Likely pathogenic. Last evaluated: 2023-08-07. Review status: criteria provided, single submitter. Criteria: Invitae Variant Classification Sherloc (09022015). Collection method: clinical testing. Allele origin: germline.
Comment: This sequence change affects a donor splice site in intron 2 of the PRDM5 gene. It is expected to disrupt RNA splicing. Variants that disrupt the donor or acceptor splice site typically lead to a loss of protein function (PMID: 16199547), and loss-of-function variants in PRDM5 are known to be pathogenic (PMID: 21664999, 26395458). This variant is not present in population databases (gnomAD no frequency). This variant has not been reported in the literature in individuals affected with PRDM5-related conditions. Algorithms developed to predict the effect of sequence changes on RNA splicing suggest that this variant may disrupt the consensus splice site. In summary, the currently available evidence indicates that the variant is pathogenic, but additional data are needed to prove that conclusively. Therefore, this variant has been classified as Likely Pathogenic.

Literature cited by the submitters: PubMed 16199547; PubMed 21664999; PubMed 26395458.